The following is an entry in ClinVar:

NM_021098.3(CACNA1H):c.3181A>T (p.Thr1061Ser)

Gene: CACNA1H (calcium voltage-gated channel subunit alpha1 H; plus strand). Cytogenetic location: 16p13.3.
Variant type: single nucleotide variant.
Coding change: c.3181A>T on transcript NM_021098.3 (MANE Select); coding-DNA position 3181, A replaced by T.
Protein change: p.Thr1061Ser; replaces threonine 1061 with serine.
Molecular consequence: missense variant.
Genome position (GRCh38, 1-based): chr16:1,208,039, A>T. VCF-style: chr16-1208039-A-T. GRCh37 (hg19) VCF-style: chr16-1258039-A-T.
Other names: c.3181A>T, p.Thr1061Ser (NM_001005407.2); short protein forms T1061S.
Identifiers: ClinVar variation 852578 (VCV000852578.10), dbSNP rs1968957429, ClinGen allele CA394171732.

ClinVar aggregate classification (germline): Uncertain significance. Review status: criteria provided, multiple submitters, no conflicts (2 of 4 stars). 2 submissions from 2 submitters: Uncertain significance (2). Last evaluated 2023-10-13.

Conditions:
Idiopathic generalized epilepsy. Also called: Generalised epilepsy; EIG. Identifiers: MedGen C0270850, MONDO:0005579, OMIM 600669.
Hyperaldosteronism, familial, type IV (HALD4). Also called: FH IV; ALDOSTERONISM, PRIMARY, AND HYPERTENSION. Identifiers: Orphanet 642671, MedGen C4310756, MONDO:0014875, OMIM 617027.
Inborn genetic diseases. Identifiers: MedGen C0950123, MeSH D030342.

Allele frequency attached by ClinVar (database versions not stated): TOPMed below 0.00001.

Submissions (2):

Labcorp Genetics (formerly Invitae), Labcorp
Classification: Uncertain significance for Idiopathic generalized epilepsy; Hyperaldosteronism, familial, type IV. Last evaluated: 2023-10-13. Review status: criteria provided, single submitter. Criteria: Invitae Variant Classification Sherloc (09022015). Collection method: clinical testing. Allele origin: germline.
Comment: This sequence change replaces threonine, which is neutral and polar, with serine, which is neutral and polar, at codon 1061 of the CACNA1H protein (p.Thr1061Ser). This variant is not present in population databases (gnomAD no frequency). This variant has not been reported in the literature in individuals affected with CACNA1H-related conditions. ClinVar contains an entry for this variant (Variation ID: 852578). Advanced modeling of protein sequence and biophysical properties (such as structural, functional, and spatial information, amino acid conservation, physicochemical variation, residue mobility, and thermodynamic stability) performed at Invitae indicates that this missense variant is not expected to disrupt CACNA1H protein function. In summary, the available evidence is currently insufficient to determine the role of this variant in disease. Therefore, it has been classified as a Variant of Uncertain Significance.

Ambry Genetics
Classification: Uncertain significance for Inborn genetic diseases. Last evaluated: 2022-08-17. Review status: criteria provided, single submitter. Criteria: Ambry Variant Classification Scheme 2023. Collection method: clinical testing. Allele origin: germline.